The following is an entry in ClinVar:

ClinVar aggregate classification (germline): Likely benign. Review status: criteria provided, multiple submitters, no conflicts (2 of 4 stars). 4 submissions from 4 submitters: Likely benign (4). Last evaluated 2025-06-03.

Conditions:
Cardiovascular phenotype. Identifiers: MedGen CN230736.
Hypertrophic cardiomyopathy 14. Identifiers: MedGen C2750467, MONDO:0013197, OMIM 613251.

Allele frequency attached by ClinVar (database versions not stated): gnomAD 0.00003; TOPMed 0.00005; ExAC 0.00006; gnomAD exomes 0.00007; 1000 Genomes Project 30x 0.00016; 1000 Genomes Project 0.00020.

Submissions (4):

Labcorp Genetics (formerly Invitae), Labcorp
Classification: Likely benign for Hypertrophic cardiomyopathy 14. Last evaluated: 2025-06-03. Review status: criteria provided, single submitter. Criteria: Invitae Variant Classification Sherloc (09022015). Collection method: clinical testing. Allele origin: germline.

Ambry Genetics
Classification: Likely benign for Cardiovascular phenotype. Last evaluated: 2024-04-12. Review status: criteria provided, single submitter. Criteria: Ambry Variant Classification Scheme 2023. Collection method: clinical testing. Allele origin: germline.

Blueprint Genetics
Classification: Likely benign. Last evaluated: 2023-08-29. Review status: criteria provided, single submitter. Criteria: ACMG Guidelines, 2015. Collection method: clinical testing. Allele origin: germline.

Biesecker Lab/Clinical Genomics Section, National Institutes of Health
Classification: Likely benign. Last evaluated: 2013-06-24. Review status: criteria provided, single submitter. Criteria: Ng et al. (Circ Cardiovasc Genet. 2013). Collection method: research. Allele origin: unknown. Observed: 2 variant alleles. Study: ClinSeq.
Comment: The study set was not selected for affection status in relation to any cancer. Pathogenicity categories were based on literature curation. See Pubmed ID:23861362 for details.

Medical sequencing

NM_002471.4(MYH6):c.2206C>A (p.Gln736Lys)

Gene: MYH6 (myosin heavy chain 6; minus strand). Cytogenetic location: 14q11.2.
Variant type: single nucleotide variant.
Coding change: c.2206C>A on transcript NM_002471.4 (MANE Select); coding-DNA position 2206, C replaced by A.
Protein change: p.Gln736Lys; replaces glutamine 736 with lysine.
Molecular consequence: missense variant.
Genome position (GRCh38, 1-based): chr14:23,396,780, G>T on the plus strand (C>A on the coding strand, the complement: MYH6 is on the minus strand). VCF-style: chr14-23396780-G-T. GRCh37 (hg19) VCF-style: chr14-23865989-G-T.
Other names: short protein forms Q736K.
Identifiers: ClinVar variation 192123 (VCV000192123.11), dbSNP rs201411075, ClinGen allele CA238410.